The following is an entry in ClinVar:

ClinVar aggregate classification (germline): Pathogenic (1 of 4 stars; one submission).

Conditions:
Congenital dyserythropoietic anemia, type II (CDAN2). Also called: DYSERYTHROPOIETIC ANEMIA, HEMPAS TYPE. Identifiers: Orphanet 98873, MedGen C1306589, MONDO:0009134, OMIM 224100.
Cowden syndrome 7 (CWS7). Identifiers: Orphanet 201, MedGen C4225179, MONDO:0014802, OMIM 616858.

Submission:

Labcorp Genetics (formerly Invitae), Labcorp
Classification: Pathogenic for Congenital dyserythropoietic anemia, type II; Cowden syndrome 7. Last evaluated: 2023-08-31. Review status: criteria provided, single submitter. Criteria: Invitae Variant Classification Sherloc (09022015). Collection method: clinical testing. Allele origin: germline.
Comment: This sequence change creates a premature translational stop signal (p.Gln113Serfs*8) in the SEC23B gene. It is expected to result in an absent or disrupted protein product. Loss-of-function variants in SEC23B are known to be pathogenic (PMID: 19561605, 25044164). This variant is not present in population databases (gnomAD no frequency). This variant has not been reported in the literature in individuals affected with SEC23B-related conditions. For these reasons, this variant has been classified as Pathogenic.

Literature cited by the submitters: PubMed 19561605; PubMed 25044164.

NM_006363.6(SEC23B):c.337del (p.Gln113fs)

Gene: SEC23B (SEC23 homolog B, COPII component; plus strand). Cytogenetic location: 20p11.23.
Variant type: Deletion.
Coding change: c.337del on transcript NM_006363.6 (MANE Select); coding-DNA position 337, one base deleted (C; older notation c.337delC).
Protein change: p.Gln113fs; shifts the reading frame from glutamine 113.
Molecular consequence: frameshift variant.
Genome position (GRCh38, 1-based): chr20:18,515,707, C deleted; the last of 4 consecutive C bases (chr20:18,515,704-18,515,707); deleting any one gives the same sequence. VCF-style (leftmost placement, unchanged base first): chr20-18515703-GC-G. GRCh37 (hg19) VCF-style: chr20-18496347-GC-G.
Other names: c.337del, p.Gln113fs (NM_001172745.3, NM_001172746.3, NM_032985.6 and 1 more transcripts); short protein forms Q113fs.
Identifiers: ClinVar variation 2951473 (VCV002951473.3), dbSNP rs2517457737, ClinGen allele CA2740097025.